The following is an entry in ClinVar:

ClinVar aggregate classification (germline): Uncertain significance (1 of 4 stars; one submission).

Submission:

GeneDx
Classification: Uncertain significance. Last evaluated: 2025-04-18. Review status: criteria provided, single submitter. Criteria: GeneDx Variant Classification Process June 2021. Collection method: clinical testing. Allele origin: germline. Affected: yes.
Comment: Not observed at significant frequency in large population cohorts (gnomAD); In silico analysis indicates that this missense variant does not alter protein structure/function; Has not been previously published as pathogenic or benign to our knowledge; Variants in candidate genes are classified as variants of uncertain significance in accordance with ACMG guidelines (PMID: 25741868)

NM_001037283.2(EIF3B):c.940G>C (p.Asp314His)

Gene: EIF3B (eukaryotic translation initiation factor 3 subunit B; plus strand). Cytogenetic location: 7p22.3.
Variant type: single nucleotide variant.
Coding change: c.940G>C on transcript NM_001037283.2 (MANE Select); coding-DNA position 940, G replaced by C.
Protein change: p.Asp314His; replaces aspartic acid 314 with histidine.
Molecular consequence: missense variant.
Genome position (GRCh38, 1-based): chr7:2,363,701, G>C. VCF-style: chr7-2363701-G-C. GRCh37 (hg19) VCF-style: chr7-2403336-G-C.
Other names: c.940G>C, p.Asp314His (NM_001362791.2, NM_003751.4); c.124G>C, p.Asp42His (NM_001362792.2, NM_001362793.2); short protein forms D314H, D42H.
Identifiers: ClinVar variation 4529753 (VCV004529753.1).